The following is an entry in ClinVar:

ClinVar aggregate classification (germline): Uncertain significance (1 of 4 stars; one submission).

Conditions:
POLD1-related polyposis and colorectal cancer syndrome (CRCS10). Also called: Colorectal cancer 10; Colorectal cancer, susceptibility to, 10; COLORECTAL CANCER, SUSCEPTIBILITY TO, ON CHROMOSOME 19q. Identifiers: Orphanet 220460, MedGen C2675481, MONDO:0012953, OMIM 612591.

Submission:

Labcorp Genetics (formerly Invitae), Labcorp
Classification: Uncertain significance for POLD1-related polyposis and colorectal cancer syndrome. Last evaluated: 2023-12-19. Review status: criteria provided, single submitter. Criteria: Invitae Variant Classification Sherloc (09022015). Collection method: clinical testing. Allele origin: germline.
Comment: This sequence change replaces phenylalanine, which is neutral and non-polar, with leucine, which is neutral and non-polar, at codon 479 of the POLD1 protein (p.Phe479Leu). This variant is not present in population databases (gnomAD no frequency). This variant has not been reported in the literature in individuals affected with POLD1-related conditions. Advanced modeling of protein sequence and biophysical properties (such as structural, functional, and spatial information, amino acid conservation, physicochemical variation, residue mobility, and thermodynamic stability) performed at Invitae indicates that this missense variant is not expected to disrupt POLD1 protein function with a negative predictive value of 80%. In summary, the available evidence is currently insufficient to determine the role of this variant in disease. Therefore, it has been classified as a Variant of Uncertain Significance.

NM_002691.4(POLD1):c.1435T>C (p.Phe479Leu)

Gene: POLD1 (DNA polymerase delta 1, catalytic subunit; plus strand). Cytogenetic location: 19q13.33.
Variant type: single nucleotide variant.
Coding change: c.1435T>C on transcript NM_002691.4 (MANE Select); coding-DNA position 1435, T replaced by C.
Protein change: p.Phe479Leu; replaces phenylalanine 479 with leucine.
Molecular consequence: missense variant. On other transcripts: non-coding transcript variant (1).
Genome position (GRCh38, 1-based): chr19:50,406,458, T>C. VCF-style: chr19-50406458-T-C. GRCh37 (hg19) VCF-style: chr19-50909715-T-C.
Other names: c.1435T>C, p.Phe479Leu (NM_001256849.1, NM_001308632.1); short protein forms F479L.
Identifiers: ClinVar variation 2704061 (VCV002704061.3), dbSNP rs2038887063, ClinGen allele CA406980184.